The following is an entry in ClinVar:

NM_020778.5(ALPK3):c.1849C>T (p.Gln617Ter)

Gene: ALPK3 (alpha kinase 3; plus strand). Cytogenetic location: 15q25.3.
Variant type: single nucleotide variant.
Coding change: c.1849C>T on transcript NM_020778.5 (MANE Select); coding-DNA position 1849, C replaced by T.
Protein change: p.Gln617Ter; replaces glutamine 617 with a stop codon.
Molecular consequence: nonsense.
Genome position (GRCh38, 1-based): chr15:84,856,587, C>T. VCF-style: chr15-84856587-C-T. GRCh37 (hg19) VCF-style: chr15-85399818-C-T.
Other names: short protein forms Q617*.
Identifiers: ClinVar variation 3638335 (VCV003638335.2).

ClinVar aggregate classification (germline): Pathogenic (1 of 4 stars; one submission).

gnomAD v4.1: 1 of 1,614,072 alleles (0.000062%); highest among the groups gnomAD compares: Non-Finnish European, 0.000085%; no homozygotes.

Submission:

Labcorp Genetics (formerly Invitae), Labcorp
Classification: Pathogenic. Last evaluated: 2024-02-02. Review status: criteria provided, single submitter. Criteria: Invitae Variant Classification Sherloc (09022015). Collection method: clinical testing. Allele origin: germline.
Comment: This sequence change creates a premature translational stop signal (p.Gln819*) in the ALPK3 gene. It is expected to result in an absent or disrupted protein product. Loss-of-function variants in ALPK3 are known to be pathogenic (PMID: 21441111, 26846950, 27106955, 34263907). This variant is not present in population databases (gnomAD no frequency). This variant has not been reported in the literature in individuals affected with ALPK3-related conditions. For these reasons, this variant has been classified as Pathogenic.

Literature cited by the submitters: PubMed 21441111; PubMed 26846950; PubMed 27106955; PubMed 34263907.